The following is an entry in ClinVar:

NM_001329943.3(KIAA0586):c.4384C>G (p.Leu1462Val)

Gene: KIAA0586 (KIAA0586; plus strand). Cytogenetic location: 14q23.1.
Variant type: single nucleotide variant.
Coding change: c.4384C>G on transcript NM_001329943.3 (MANE Select); coding-DNA position 4384, C replaced by G.
Protein change: p.Leu1462Val; replaces leucine 1462 with valine.
Molecular consequence: missense variant.
Genome position (GRCh38, 1-based): chr14:58,512,582, C>G. VCF-style: chr14-58512582-C-G. GRCh37 (hg19) VCF-style: chr14-58979300-C-G.
Other names: c.4129C>G, p.Leu1377Val (NM_001364700.1, NM_001364701.2, NM_001244191.2 and 1 more transcripts); c.4156C>G, p.Leu1386Val (NM_014749.5); c.4384C>G, p.Leu1462Val (NM_001329946.2, NM_001329944.2); c.4252C>G, p.Leu1418Val (NM_001329947.2, NM_001244192.2); c.4543C>G, p.Leu1515Val (NM_001244189.2); c.4339C>G, p.Leu1447Val (NM_001244190.2); c.3964C>G, p.Leu1322Val (NM_001244193.2); short protein forms L1322V, L1377V, L1386V, L1418V, L1447V, L1462V, L1515V.
Identifiers: ClinVar variation 1315429 (VCV001315429.3), dbSNP rs749662369, ClinGen allele CA7206382.
Genomic context (GRCh38, chr14:58,512,582, plus strand): 5'-TACCAACTAAAGCAAAATCAGGATGTTAAGCAAGTTGAACACAAACCATCACAAAGTTAC[C>G]TACGTGTTAGAAATAAATCTGATATTGCACCTTCACAGCAACAAGGTAAGACTTGTTTTT-3'
Protein context (NP_001316872.1, residues 1452-1472): QVEHKPSQSY[Leu1462Val]RVRNKSDIAP

ClinVar aggregate classification (germline): Uncertain significance. Review status: criteria provided, multiple submitters, no conflicts (2 of 4 stars). 2 submissions from 2 submitters: Uncertain significance (2). Last evaluated 2020-02-13.

Allele frequency attached by ClinVar (database versions not stated): gnomAD exomes below 0.00001 and 0.00001; gnomAD 0.00001; TOPMed 0.00001; ExAC 0.00003; 1000 Genomes Project 30x 0.00016.
gnomAD v4.1: 5 of 1,542,646 alleles (0.00032%); highest among the groups gnomAD compares: Admixed American, 0.0046%; no homozygotes.

Submissions (2):

GeneDx
Classification: Uncertain significance. Last evaluated: 2020-02-13. Review status: criteria provided, single submitter. Criteria: GeneDx Variant Classification Process June 2021. Collection method: clinical testing. Allele origin: germline. Affected: yes.
Comment: Not observed at a significant frequency in large population cohorts (Lek et al., 2016); In silico analysis supports that this missense variant does not alter protein structure/function; In-silico analysis, which includes splice predictors and evolutionary conservation, is inconclusive as to whether the variant alters gene splicing. In the absence of RNA/functional studies, the actual effect of this sequence change is unknown; Has not been previously published as pathogenic or benign to our knowledge

Blueprint Genetics
Classification: Uncertain significance. Last evaluated: 2019-12-03. Review status: criteria provided, single submitter. Criteria: ACMG Guidelines, 2015. Collection method: clinical testing. Allele origin: germline.